The following is an entry in ClinVar:

ClinVar aggregate classification (germline): Uncertain significance (1 of 4 stars; one submission).

Conditions:
Muscular dystrophy-dystroglycanopathy (congenital with brain and eye anomalies), type A2. Also called: MUSCULAR DYSTROPHY-DYSTROGLYCANOPATHY (CONGENITAL WITH BRAIN AND EYE ANOMALIES), TYPE A, 2; WALKER-WARBURG SYNDROME OR MUSCLE-EYE-BRAIN DISEASE, POMT2-RELATED. Identifiers: Orphanet 588, Orphanet 899, MedGen C3150411, MONDO:0013154, OMIM 613150.
Autosomal recessive limb-girdle muscular dystrophy type 2N. Also called: MUSCULAR DYSTROPHY-DYSTROGLYCANOPATHY, LIMB-GIRDLE, POMT2-RELATED; Muscular dystrophy-dystroglycanopathy (limb-girdle), type C, 2. Identifiers: Orphanet 206559, MedGen C3150418, MONDO:0013162, OMIM 613158.
Muscular dystrophy-dystroglycanopathy (congenital with impaired intellectual development), type B, 2. Also called: Muscular dystrophy-dystroglycanopathy (congenital with intellectual disability), type B2; MUSCULAR DYSTROPHY, CONGENITAL, POMT2-RELATED. Identifiers: MedGen C3150416, MONDO:0013160, OMIM 613156.

gnomAD v4.1: 8 of 1,588,462 alleles (0.0005%); highest among the groups gnomAD compares: Non-Finnish European, 0.00068%; no homozygotes.

Submission:

Labcorp Genetics (formerly Invitae), Labcorp
Classification: Uncertain significance for Muscular dystrophy-dystroglycanopathy (congenital with impaired intellectual development), type B, 2; Muscular dystrophy-dystroglycanopathy (congenital with brain and eye anomalies), type A2; Autosomal recessive limb-girdle muscular dystrophy type 2N. Last evaluated: 2023-03-12. Review status: criteria provided, single submitter. Criteria: Invitae Variant Classification Sherloc (09022015). Collection method: clinical testing. Allele origin: germline.
Comment: ClinVar contains an entry for this variant (Variation ID: 2133849). This sequence change replaces alanine, which is neutral and non-polar, with valine, which is neutral and non-polar, at codon 25 of the POMT2 protein (p.Ala25Val). This variant is not present in population databases (gnomAD no frequency). This variant has not been reported in the literature in individuals affected with POMT2-related conditions. Algorithms developed to predict the effect of missense changes on protein structure and function output the following: SIFT: "Not Available"; PolyPhen-2: "Benign"; Align-GVGD: "Not Available". The valine amino acid residue is found in multiple mammalian species, which suggests that this missense change does not adversely affect protein function. In summary, the available evidence is currently insufficient to determine the role of this variant in disease. Therefore, it has been classified as a Variant of Uncertain Significance.

NM_013382.7(POMT2):c.74C>T (p.Ala25Val)

Gene: POMT2 (protein O-mannosyltransferase 2; minus strand). Cytogenetic location: 14q24.3.
Variant type: single nucleotide variant.
Coding change: c.74C>T on transcript NM_013382.7 (MANE Select); coding-DNA position 74, C replaced by T.
Protein change: p.Ala25Val; replaces alanine 25 with valine.
Molecular consequence: missense variant.
Genome position (GRCh38, 1-based): chr14:77,320,608, G>A on the plus strand (C>T on the coding strand, the complement: POMT2 is on the minus strand). VCF-style: chr14-77320608-G-A. GRCh37 (hg19) VCF-style: chr14-77786951-G-A.
Other names: short protein forms A25V.
Identifiers: ClinVar variation 2133849 (VCV002133849.4), dbSNP rs1313795011, ClinGen allele CA390504834.
Genomic context (GRCh38, chr14:77,320,608, plus strand): 5'-GGCCGTTTGGGGCTTCGCGCCACAGCCTCAGCGGCCACGTCCCGGCCTGCGGCCCTAGCA[G>A]CCTGGGGGCCACAGCGGCCCCTCCGGGGACGCAGCTCGGACTCTGCCAGGCCTCCGCCCG-3'
Protein context (NP_037514.2, residues 15-35): RPRRGRCGPQ[Ala25Val]ARAAGRDVAA